The following is an entry in ClinVar:

ClinVar aggregate classification (germline): Pathogenic. Review status: criteria provided, multiple submitters, no conflicts (2 of 4 stars). 4 submissions from 4 submitters: Pathogenic (4). Last evaluated 2026-03-10.

Conditions:
Polycystic kidney disease, adult type (PKD1). Also called: POLYCYSTIC KIDNEY DISEASE, ADULT, TYPE I; Polycystic Kidney Disease 1, Autosomal Dominant; Polycystic kidney disease 1; Polycystic kidney disease 1, severe; Polycystic Kidney, Autosomal Dominant; POLYCYSTIC KIDNEY DISEASE 1 WITH OR WITHOUT POLYCYSTIC LIVER DISEASE. Identifiers: MedGen C3149841, MONDO:0008263, OMIM 173900.

Submissions (4):

GeneDx
Classification: Pathogenic. Last evaluated: 2026-03-10. Review status: criteria provided, single submitter. Criteria: GeneDx Variant Classification Process June 2021. Collection method: clinical testing. Allele origin: germline.
Comment: Frameshift variant predicted to result in protein truncation or nonsense mediated decay in a gene for which loss of function is a known mechanism of disease; Not observed at significant frequency in large population cohorts (gnomAD); This variant is associated with the following publications: (PMID: 35368817)

Fulgent Genetics
Classification: Pathogenic for Polycystic kidney disease, adult type. Last evaluated: 2024-05-23. Review status: criteria provided, single submitter. Criteria: ACMG Guidelines, 2015. Collection method: clinical testing. Allele origin: germline.

Mayo Clinic Laboratories, Mayo Clinic
Classification: Pathogenic. Last evaluated: 2024-04-16. Review status: criteria provided, single submitter. Criteria: ACMG Guidelines, 2015. Collection method: clinical testing. Allele origin: germline. Observed: 2 variant alleles.
Comment: PM2, PS4_moderate, PVS1

Baylor Genetics
Classification: Pathogenic for Polycystic kidney disease, adult type. Last evaluated: 2018-09-21. Review status: criteria provided, single submitter. Criteria: ACMG Guidelines, 2015. Collection method: clinical testing. Allele origin: unknown. Affected: yes.
Comment: This variant was determined to be pathogenic according to ACMG Guidelines, 2015 [PMID:25741868].

Literature cited by the submitters: PubMed 35368817 (cited by Mayo Clinic Laboratories, Mayo Clinic).

NM_001009944.3(PKD1):c.8043_8046del (p.Ser2682fs)

Gene: PKD1 (polycystin 1, transient receptor potential channel interacting; minus strand). Cytogenetic location: 16p13.3.
Variant type: Deletion.
Coding change: c.8043_8046del on transcript NM_001009944.3 (MANE Select); coding-DNA positions 8043 to 8046, 4 bases deleted (CTCG; older notation c.8043_8046delCTCG).
Protein change: p.Ser2682fs; shifts the reading frame from serine 2682.
Molecular consequence: frameshift variant.
Genome position (GRCh38, 1-based): chr16:2,104,613-2,104,616, CGAG deleted on the plus strand (CTCG on the coding strand, the reverse complement: PKD1 is on the minus strand); deleting any 4 consecutive bases within chr16:2,104,613-2,104,618 gives the same sequence; the c. name uses the placement nearest the transcript's 3' end. VCF-style (leftmost placement, unchanged base first): chr16-2104612-ACGAG-A. GRCh37 (hg19) VCF-style: chr16-2154613-ACGAG-A.
Other names: p.Ser2682Alafs*2; c.8043_8046del, p.Ser2682fs (NM_000296.4); c.8043_8046del (NM_001009944.2); short protein forms S2682fs.
Identifiers: ClinVar variation 1034359 (VCV001034359.5), dbSNP rs2092262890, ClinGen allele CA2202027205.